The following is an entry in ClinVar:

ClinVar aggregate classification (germline): Pathogenic/Likely pathogenic. Review status: criteria provided, multiple submitters, no conflicts (2 of 4 stars). 3 submissions from 3 submitters: Pathogenic (2); Likely pathogenic (1). Last evaluated 2024-05-30.

Conditions:
Neurofibromatosis, type 1 (NF1). Also called: NEUROFIBROMATOSIS, TYPE I, SOMATIC; Peripheral type neurofibromatosis; Neurofibromatosis, type I; VON RECKLINGHAUSEN DISEASE. Identifiers: Orphanet 636, MedGen C0027831, MONDO:0018975, OMIM 162200. Disease mechanism: loss of function.
NF1-related disorder. Also called: NF1-related condition. Identifiers: MedGen CN379171.

Submissions (3):

GeneDx
Classification: Pathogenic. Last evaluated: 2024-05-30. Review status: criteria provided, single submitter. Criteria: GeneDx Variant Classification Process June 2021. Collection method: clinical testing. Allele origin: germline. Affected: yes.
Comment: Frameshift variant predicted to result in protein truncation or nonsense mediated decay in a gene for which loss of function is a known mechanism of disease; Not observed at significant frequency in large population cohorts (gnomAD); This variant is associated with the following publications: (PMID: 35240321)

Labcorp Genetics (formerly Invitae), Labcorp
Classification: Pathogenic for Neurofibromatosis, type 1. Last evaluated: 2021-12-24. Review status: criteria provided, single submitter. Criteria: Invitae Variant Classification Sherloc (09022015). Collection method: clinical testing. Allele origin: germline.
Comment: For these reasons, this variant has been classified as Pathogenic. This variant has not been reported in the literature in individuals affected with NF1-related conditions. This variant is not present in population databases (gnomAD no frequency). This sequence change creates a premature translational stop signal (p.Ile526Glnfs*29) in the NF1 gene. It is expected to result in an absent or disrupted protein product. Loss-of-function variants in NF1 are known to be pathogenic (PMID: 10712197, 23913538).

Blueprint Genetics
Classification: Likely pathogenic for NF1-related disorders. Last evaluated: 2020-12-29. Review status: criteria provided, single submitter. Criteria: ACMG Guidelines, 2015. Collection method: clinical testing. Allele origin: germline. Affected: yes. Observed: 1 variant allele.

Literature cited by the submitters: PubMed 10712197 (cited by Labcorp Genetics (formerly Invitae), Labcorp); PubMed 23913538 (cited by Labcorp Genetics (formerly Invitae), Labcorp).

NM_001042492.3(NF1):c.1576_1579del (p.Ile526fs)

Gene: NF1 (neurofibromin 1; plus strand). Cytogenetic location: 17q11.2.
Variant type: Microsatellite.
Coding change: c.1576_1579del on transcript NM_001042492.3 (MANE Select); coding-DNA positions 1576 to 1579, 4 bases deleted (ATTA; older notation c.1576_1579delATTA).
Protein change: p.Ile526fs; shifts the reading frame from isoleucine 526.
Molecular consequence: frameshift variant.
Genome position (GRCh38, 1-based): chr17:31,219,053-31,219,056, ATTA deleted; deleting any 4 consecutive bases within chr17:31,219,048-31,219,056 gives the same sequence; the c. name uses the placement nearest the transcript's 3' end. VCF-style (leftmost placement, unchanged base first): chr17-31219047-GAATT-G. GRCh37 (hg19) VCF-style: chr17-29546065-GAATT-G.
Other names: c.1572_1575ATTA[1], p.Ile526Glnfs (NM_000267.4); c.1576_1579del, p.Ile526fs (NM_001128147.3); short protein forms I526fs.
Identifiers: ClinVar variation 2058790 (VCV002058790.6), dbSNP rs2544840547, ClinGen allele CA2580614067.
Genomic context (GRCh38, chr17:31,219,047, plus strand): 5'-TCCTTTTTTTCCTTGCAGAATCCAAGAAAACAGGGGCCCGAAACCCAAGGCAGTACAGCA[GAATT>G]AATTACAGGGCTCGTCCAACTGGTCCCTCAGTCACACATGCCAGAGATTGCTCAGGAAGC-3'